The following is an entry in ClinVar:

ClinVar aggregate classification (germline): Benign (1 of 4 stars; one submission).

Conditions:
SYNM-related disorder. Also called: SYNM-related condition.

Submission:

PreventionGenetics, part of Exact Sciences
Classification: Benign for SYNM-related condition. Last evaluated: 2019-06-07. Review status: criteria provided, single submitter. Criteria: ACMG Guidelines, 2015. Collection method: clinical testing. Allele origin: germline.
Comment: This variant is classified as benign based on ACMG/AMP sequence variant interpretation guidelines (Richards et al. 2015 PMID: 25741868, with internal and published modifications).

NM_145728.3(SYNM):c.4205G>A (p.Arg1402Lys)

Gene: SYNM (synemin; plus strand). Cytogenetic location: 15q26.3.
Variant type: single nucleotide variant.
Coding change: c.4205G>A on transcript NM_145728.3 (MANE Select); coding-DNA position 4205, G replaced by A.
Protein change: p.Arg1402Lys; replaces arginine 1402 with lysine.
Molecular consequence: missense variant. On other transcripts: intron variant (1).
Genome position (GRCh38, 1-based): chr15:99,132,565, G>A. VCF-style: chr15-99132565-G-A. GRCh37 (hg19) VCF-style: chr15-99672770-G-A.
Other names: c.3454-185G>A (NM_015286.6); short protein forms R1402K.
Identifiers: ClinVar variation 3046572 (VCV003046572.1), dbSNP rs782581607, ClinGen allele CA393674079.